The following is an entry in ClinVar:

ClinVar aggregate classification (germline): Pathogenic/Likely pathogenic. Review status: criteria provided, multiple submitters, no conflicts (2 of 4 stars). 5 submissions from 4 submitters: Pathogenic (1); Likely pathogenic (4). Last evaluated 2025-03-16.

Conditions:
Neu-Laxova syndrome 1 (NLS1). Identifiers: Orphanet 2671, Orphanet 583607, MedGen C4551478, MONDO:0009736, OMIM 256520. Disease mechanism: loss of function.
PHGDH deficiency. Identifiers: Orphanet 79351, MedGen C1866174, MONDO:0011152, OMIM 601815.

Allele frequency attached by ClinVar (database versions not stated): gnomAD exomes below 0.00001.

Submissions (5):

Natera, Inc.
Classification: Likely pathogenic for Phosphoglycerate dehydrogenase deficiency. Last evaluated: 2025-03-16. Review status: criteria provided, single submitter. Criteria: Natera Variant Classification Schema (03/2026). Collection method: clinical testing. Allele origin: germline.
Comment: The c.901delG variant in PHGDH is a frameshift variant predicted to shift the reading frame beginning at codon 301 and leads to a stop codon 7 codons downstream. This variant is expected to result in nonsense mediated decay, truncation, or a dysfunctional protein product. This variant is rare in the general population with a frequency below the threshold expected for the associated phenotype(s). Given the available evidence, this variant is classified as Likely Pathogenic.

Genome-Nilou Lab
Classification: Likely pathogenic for Neu-Laxova syndrome 1. Last evaluated: 2023-04-11. Review status: criteria provided, single submitter. Criteria: ACMG Guidelines, 2015. Collection method: clinical testing. Allele origin: germline. Affected: no.

Genome-Nilou Lab
Classification: Likely pathogenic for PHGDH deficiency. Last evaluated: 2023-04-11. Review status: criteria provided, single submitter. Criteria: ACMG Guidelines, 2015. Collection method: clinical testing. Allele origin: germline. Affected: no.

Labcorp Genetics (formerly Invitae), Labcorp
Classification: Pathogenic for PHGDH deficiency. Last evaluated: 2021-12-02. Review status: criteria provided, single submitter. Criteria: Invitae Variant Classification Sherloc (09022015). Collection method: clinical testing. Allele origin: germline.
Comment: This sequence change creates a premature translational stop signal (p.Val301Phefs*7) in the PHGDH gene. It is expected to result in an absent or disrupted protein product. Loss-of-function variants in PHGDH are known to be pathogenic (PMID: 14645240, 24836451). This variant is not present in population databases (gnomAD no frequency). This variant has not been reported in the literature in individuals affected with PHGDH-related conditions. ClinVar contains an entry for this variant (Variation ID: 806198). For these reasons, this variant has been classified as Pathogenic.

CeGaT Center for Human Genetics Tuebingen
Classification: Likely pathogenic. Last evaluated: 2019-04-01. Review status: criteria provided, single submitter. Criteria: CeGaT Center For Human Genetics Tuebingen Variant Classification Criteria Version 2. Collection method: clinical testing. Allele origin: germline. Affected: yes. Observed: 3 variant alleles.

Literature cited by the submitters: PubMed 14645240 (cited by Labcorp Genetics (formerly Invitae), Labcorp); PubMed 24836451 (cited by Labcorp Genetics (formerly Invitae), Labcorp).

NM_006623.4(PHGDH):c.901del (p.Val301fs)

Gene: PHGDH (phosphoglycerate dehydrogenase; plus strand). Cytogenetic location: 1p12.
Variant type: Deletion.
Coding change: c.901del on transcript NM_006623.4 (MANE Select); coding-DNA position 901, one base deleted (G; older notation c.901delG).
Protein change: p.Val301fs; shifts the reading frame from valine 301.
Molecular consequence: frameshift variant.
Genome position (GRCh38, 1-based): chr1:119,737,222, G deleted. VCF-style (leftmost placement, unchanged base first): chr1-119737221-TG-T. GRCh37 (hg19) VCF-style: chr1-120279844-TG-T.
Other names: c.901delG (NM_006623.3); short protein forms V301fs.
Identifiers: ClinVar variation 806198 (VCV000806198.50), dbSNP rs1571013274, ClinGen allele CA915941398.